The following is an entry in ClinVar:

ClinVar aggregate classification (germline): Pathogenic. Review status: criteria provided, multiple submitters, no conflicts (2 of 4 stars). 3 submissions from 3 submitters: Pathogenic (3). Last evaluated 2024-10-24.

Conditions:
USH1G-related disorder. Also called: USH1G-related disorders; USH1G-related condition.
Usher syndrome. Also called: Usher Syndromes; Usher's syndrome. Identifiers: Orphanet 886, MedGen CN469326, MeSH D052245, MONDO:0019501. Disease mechanism: loss of function.

Allele frequency attached by ClinVar (database versions not stated): TOPMed 0.00002; gnomAD 0.00003; gnomAD exomes 0.00003; ExAC 0.00004.
gnomAD v4.1: 17 of 1,604,312 alleles (0.0011%); highest among the groups gnomAD compares: Admixed American, 0.022%; no homozygotes.

Submissions (3):

Labcorp Genetics (formerly Invitae), Labcorp
Classification: Pathogenic. Last evaluated: 2024-10-24. Review status: criteria provided, single submitter. Criteria: Invitae Variant Classification Sherloc (09022015). Collection method: clinical testing. Allele origin: germline.
Comment: This sequence change creates a premature translational stop signal (p.Gln248*) in the USH1G gene. It is expected to result in an absent or disrupted protein product. Loss-of-function variants in USH1G are known to be pathogenic (PMID: 12588794, 22219650). This variant is present in population databases (rs773231689, gnomAD 0.02%). This premature translational stop signal has been observed in individual(s) with Usher syndrome (PMID: 27460420). ClinVar contains an entry for this variant (Variation ID: 1074704). For these reasons, this variant has been classified as Pathogenic.

Laboratory of Human Genetics, Universidade de São Paulo
Classification: Pathogenic for Usher syndrome. Last evaluated: 2024-05-01. Review status: criteria provided, single submitter. Criteria: ClinGen HL ACMG Specifications v1. Collection method: research. Allele origin: biparental. Affected: yes. Observed: 1 variant allele.
Comment: The USH1G:c.742C>T:p.Gln248* variant is a null variant in a gene where loss of function is a known mechanism of disease (PVS1), Extremely low frequency in gnomAD population databases (PM2); it is a recessive disorder and it was detected in trans with a pathogenic variant in a homozygous in affected cases (PM3).

Blueprint Genetics
Classification: Pathogenic for USH1G-related disorders. Last evaluated: 2023-09-15. Review status: criteria provided, single submitter. Criteria: ACMG Guidelines, 2015. Collection method: clinical testing. Allele origin: germline. Affected: yes. Observed: 3 variant alleles.

Literature cited by the submitters: PubMed 12588794 (cited by Labcorp Genetics (formerly Invitae), Labcorp); PubMed 22219650 (cited by Labcorp Genetics (formerly Invitae), Labcorp); PubMed 27460420 (cited by Labcorp Genetics (formerly Invitae), Labcorp).

NM_173477.5(USH1G):c.742C>T (p.Gln248Ter)

Gene: USH1G (USH1 protein network component sans; minus strand). Cytogenetic location: 17q25.1.
Variant type: single nucleotide variant.
Coding change: c.742C>T on transcript NM_173477.5 (MANE Select); coding-DNA position 742, C replaced by T.
Protein change: p.Gln248Ter; replaces glutamine 248 with a stop codon.
Molecular consequence: nonsense.
Genome position (GRCh38, 1-based): chr17:74,920,094, G>A on the plus strand (C>T on the coding strand, the complement: USH1G is on the minus strand). VCF-style: chr17-74920094-G-A. GRCh37 (hg19) VCF-style: chr17-72916189-G-A.
Other names: c.433C>T, p.Gln145Ter (NM_001282489.3); c.[433C>T] (NM_001282489.1); c.433C>T (NM_001282489.1); short protein forms Q145*, Q248*.
Identifiers: ClinVar variation 1074704 (VCV001074704.10), dbSNP rs773231689, ClinGen allele CA8754009.
Genomic context (GRCh38, chr17:74,920,094, plus strand): 5'-CCCACTCCTTGGGATTGGCGTAGGTGCCCTGGCGCACGAACATCACGTCGCTGCCCAGCT[G>A]CAGGCCCGAGAGCGAGCGGGCGCTCTTGCGCCCATCCTCGGAGACCTTGAAGGTGCCTTC-3'